The following is an entry in ClinVar:

ClinVar aggregate classification (germline): Uncertain significance (1 of 4 stars; one submission).

Conditions:
Hereditary cancer-predisposing syndrome. Also called: Tumor predisposition; Neoplastic Syndromes, Hereditary; Hereditary Cancer Syndrome; Hereditary neoplastic syndrome. Identifiers: Orphanet 140162, MedGen C0027672, MeSH D009386, MONDO:0015356.

Submission:

Ambry Genetics
Classification: Uncertain significance for Hereditary cancer-predisposing syndrome. Last evaluated: 2024-08-06. Review status: criteria provided, single submitter. Criteria: Ambry Variant Classification Scheme 2023. Collection method: clinical testing. Allele origin: germline.
Comment: The c.1922_1927dupCTGACT variant (also known as p.S641_D642dup), located in coding exon 13 of the CTNNA1 gene, results from an in-frame duplication of CTGACT at nucleotide positions 1922 to 1927. This results in the duplication of 2 extra residues (SD) between codons 641 and 642. This amino acid region is highly conserved in available vertebrate species. In addition, this alteration is predicted to be neutral by in silico analysis (Choi Y et al. PLoS ONE. 2012; 7(10):e46688). The evidence for this gene-disease relationship is limited; therefore, the clinical significance of this alteration is unclear.

NM_001903.5(CTNNA1):c.1922_1927dup (p.Asp642_Phe643insSerAsp)

Gene: CTNNA1 (catenin alpha 1; plus strand). Cytogenetic location: 5q31.2.
Variant type: Duplication.
Coding change: c.1922_1927dup on transcript NM_001903.5 (MANE Select); coding-DNA positions 1922 to 1927, 6 bases duplicated (CTGACT; older notation c.1922_1927dupCTGACT).
Protein change: p.Asp642_Phe643insSerAsp.
Genome position (GRCh38, 1-based): chr5:138,929,268-138,929,273, CTGACT duplicated; duplicating any 6 consecutive bases within chr5:138,929,263-138,929,273 gives the same sequence; the c. name uses the placement nearest the transcript's 3' end. VCF-style (leftmost placement, unchanged base first): chr5-138929262-A-ATGACTC. GRCh37 (hg19) VCF-style: chr5-138264951-A-ATGACTC.
Other names: c.812_817dup, p.Asp272_Phe273insSerAsp (NM_001323997.1, NM_001323998.1, NM_001323999.1 and 17 more transcripts); c.473_478dup, p.Asp159_Phe160insSerAsp (NM_001324006.1, NM_001324007.1, NM_001324008.1 and 2 more transcripts); c.1922_1927dup, p.Asp642_Phe643insSerAsp (NM_001290307.3, NM_001323982.2, NM_001323983.1 and 2 more transcripts); c.1613_1618dup, p.Asp539_Phe540insSerAsp (NM_001290309.3); c.1553_1558dup, p.Asp519_Phe520insSerAsp (NM_001290310.3); c.1829_1834dup, p.Asp611_Phe612insSerAsp (NM_001323986.2); c.719_724dup, p.Asp241_Phe242insSerAsp (NM_001324011.1); c.569_574dup, p.Asp191_Phe192insSerAsp (NM_001324012.1, NM_001324013.1).
Identifiers: ClinVar variation 3498211 (VCV003498211.1).